The following is an entry in ClinVar:

ClinVar aggregate classification (germline): Uncertain significance (1 of 4 stars; one submission).

Conditions:
Accelerated tumor formation, susceptibility to (ACTFS). Identifiers: MedGen C3280690, OMIM 614401, MONDO:0013733.

Allele frequency attached by ClinVar (database versions not stated): gnomAD exomes 0.00002.
gnomAD v4.1: 30 of 1,614,086 alleles (0.0019%); highest among the groups gnomAD compares: Non-Finnish European, 0.0025%; no homozygotes.

Submission:

Labcorp Genetics (formerly Invitae), Labcorp
Classification: Uncertain significance for Accelerated tumor formation, susceptibility to. Last evaluated: 2023-02-01. Review status: criteria provided, single submitter. Criteria: Invitae Variant Classification Sherloc (09022015). Collection method: clinical testing. Allele origin: germline.
Comment: This sequence change replaces aspartic acid, which is acidic and polar, with glycine, which is neutral and non-polar, at codon 17 of the MDM2 protein (p.Asp17Gly). This variant is not present in population databases (gnomAD no frequency). This variant has not been reported in the literature in individuals affected with MDM2-related conditions. Algorithms developed to predict the effect of missense changes on protein structure and function are either unavailable or do not agree on the potential impact of this missense change (SIFT: "Deleterious"; PolyPhen-2: "Benign"; Align-GVGD: "Class C15"). In summary, the available evidence is currently insufficient to determine the role of this variant in disease. Therefore, it has been classified as a Variant of Uncertain Significance.

NM_002392.6(MDM2):c.50A>G (p.Asp17Gly)

Genes: MDM2 (MDM2 proto-oncogene; plus strand), LOC126861563 (CDK7 strongly-dependent group 2 enhancer GRCh37_chr12:69202246-69203445; plus strand). Cytogenetic location: 12q15.
Variant type: single nucleotide variant.
Coding change: c.50A>G on transcript NM_002392.6 (MANE Select); coding-DNA position 50, A replaced by G.
Protein change: p.Asp17Gly; replaces aspartic acid 17 with glycine.
Molecular consequence: missense variant.
Genome position (GRCh38, 1-based): chr12:68,809,243, A>G. VCF-style: chr12-68809243-A-G. GRCh37 (hg19) VCF-style: chr12-69203023-A-G.
Other names: c.32A>G, p.Asp11Gly (NM_001145337.3, NM_001145340.3, NM_001278462.2 and 1 more transcripts); c.50A>G, p.Asp17Gly (NM_001145339.2); short protein forms D17G, D11G.
Identifiers: ClinVar variation 2905053 (VCV002905053.3), dbSNP rs746284240, ClinGen allele CA238470546.
Genomic context (GRCh38, chr12:68,809,243, plus strand): 5'-CATCGTGTCTTTTTTTTCCTTGTAGGCAAATGTGCAATACCAACATGTCTGTACCTACTG[A>G]TGGTGCTGTAACCACCTCACAGATTCCAGCTTCGGAACAAGAGACCCTGGTTAGTATTTT-3'
Protein context (NP_002383.2, residues 7-27): MCNTNMSVPT[Asp17Gly]GAVTTSQIPA